The following is an entry in ClinVar:

NC_000022.10:g.(?_35776672)_(35799555_?)dup

Genes: HMOX1 (heme oxygenase 1; plus strand), MCM5 (minichromosome maintenance complex component 5; plus strand). Cytogenetic location: 22q12.3.
Variant type: Duplication.
Identifiers: ClinVar variation 3248114 (VCV003248114.1).

ClinVar aggregate classification (germline): Uncertain significance (1 of 4 stars; one submission).

Submission:

Labcorp Genetics (formerly Invitae), Labcorp
Classification: Uncertain significance. Last evaluated: 2022-10-29. Review status: criteria provided, single submitter. Criteria: Invitae Variant Classification Sherloc (09022015). Collection method: clinical testing. Allele origin: unknown.
Comment: In summary, the available evidence is currently insufficient to determine the role of this variant in disease. Therefore, it has been classified as a Variant of Uncertain Significance. This variant has not been reported in the literature in individuals affected with MCM5-related conditions. This variant results in a copy number gain of the genomic region encompassing exon(s) 1-4 of the MCM5 gene. This region includes the initiator codon of the gene. This copy number gain extends beyond the assayed region for this gene and therefore may encompass additional genes. As the precise location of this event is unknown, it may be in tandem or it may be located elsewhere in the genome.